The following is an entry in ClinVar:

NM_000179.3(MSH6):c.675_676dup (p.Glu226fs)

Gene: MSH6 (mutS homolog 6; plus strand). Cytogenetic location: 2p16.3.
Variant type: Duplication.
Coding change: c.675_676dup on transcript NM_000179.3 (MANE Select); coding-DNA positions 675 to 676, 2 bases duplicated (TG; older notation c.675_676dupTG).
Protein change: p.Glu226fs; shifts the reading frame from glutamic acid 226.
Molecular consequence: frameshift variant. On other transcripts: 5 prime UTR variant (2).
Genome position (GRCh38, 1-based): chr2:47,798,658-47,798,659, TG duplicated. VCF-style (leftmost placement, unchanged base first): chr2-47798657-T-TTG. GRCh37 (hg19) VCF-style: chr2-48025796-T-TTG.
Other names: c.285_286dup, p.Glu96fs (NM_001281492.2); c.-232_-231dup (NM_001281493.2, NM_001281494.2); c.675_676dupTG (NM_000179.2); short protein forms E226fs, E96fs.
Identifiers: ClinVar variation 1330024 (VCV001330024.4), dbSNP rs2104290462, ClinGen allele CA2573051967.
Genomic context (GRCh38, chr2:47,798,657, plus strand): 5'-TCCTTGCCTGGCAGGTAGGCACAACTTACGTAACAGATAAGAGTGAAGAAGATAATGAAA[T>TTG]TGAGAGTGAAGAGGAAGTACAGCCTAAGACACAAGGATCTAGGCGAAGTAGCCGCCAAAT-3'

ClinVar aggregate classification (germline): Pathogenic/Likely pathogenic. Review status: criteria provided, multiple submitters, no conflicts (2 of 4 stars). 3 submissions from 3 submitters: Pathogenic (2); Likely pathogenic (1). Last evaluated 2021-03-19.

Conditions:
Lynch syndrome. Identifiers: Orphanet 144, MedGen C4552100, MONDO:0005835. Disease mechanism: loss of function.
Hereditary cancer-predisposing syndrome. Also called: Hereditary Cancer Syndrome; Tumor predisposition; Neoplastic Syndromes, Hereditary; Hereditary neoplastic syndrome. Identifiers: Orphanet 140162, MedGen C0027672, MeSH D009386, MONDO:0015356.

Allele frequency attached by ClinVar (database versions not stated): gnomAD exomes below 0.00001.

Submissions (3):

Ambry Genetics
Classification: Pathogenic for Hereditary cancer-predisposing syndrome. Last evaluated: 2021-03-19. Review status: criteria provided, single submitter. Criteria: Ambry Variant Classification Scheme 2023. Collection method: clinical testing. Allele origin: germline.
Comment: The c.675_676dupTG variant, located in coding exon 4 of the MSH6 gene, results from a duplication of TG at nucleotide position 675, causing a translational frameshift with a predicted alternate stop codon (p.E226Vfs*21). This mutation has been reported in patients with early onset familial colon cancer/Lynch Syndrome (Talseth-Palmer BA et al. Hered Cancer Clin Pract, 2010 May;8:5; Chubb D et al. Nat Commun, 2016 06;7:11883). Of note, this alteration is also designated as c.674insTG and c.674_675insTG in the published literature. This alteration is expected to result in loss of function by premature protein truncation or nonsense-mediated mRNA decay. As such, this alteration is interpreted as a disease-causing mutation.

Quest Diagnostics Nichols Institute San Juan Capistrano
Classification: Pathogenic. Last evaluated: 2020-11-10. Review status: criteria provided, single submitter. Criteria: Quest Diagnostics criteria. Collection method: clinical testing. Allele origin: unknown.
Comment: This frameshift variant alters the translational reading frame of the MSH6 mRNA and causes the premature termination of MSH6 protein synthesis. It has been reported in a Lynch Syndrome family in the published literature (PMID: 20487569 (2016)). Based on the available information, the variant is classified as pathogenic.

Laboratory for Molecular Medicine, Mass General Brigham Personalized Medicine
Classification: Likely pathogenic for Lynch syndrome. Last evaluated: 2019-10-14. Review status: criteria provided, single submitter. Criteria: ACMG Guidelines, 2015. Collection method: clinical testing. Allele origin: germline.
Comment: The p.Glu226ValfsX21 variant in MSH6 has been reported in 1 individual with Lynch syndrome (as c.674insTG; Talseth-Palmer 2010) and was absent from large population studies. This variant is predicted to cause a frameshift, which alters the protein’s amino acid sequence beginning at position 226 and leads to a premature termination codon 21 amino acids downstream. This alteration is then predicted to lead to a truncated or absent protein. Loss of function of the MSH6 gene is an established disease mechanism in autosomal dominant Lynch syndrome. In summary, the p.Glu226ValfsX21 variant meets criteria to be classified as pathogenic for Lynch syndrome. ACMG/AMP criteria applied: PVS1, PM2.

Literature cited by the submitters: PubMed 20487569 (cited by 3 submitters); PubMed 27064304 (cited by Ambry Genetics and Quest Diagnostics Nichols Institute San Juan Capistrano); PubMed 27329137 (cited by Ambry Genetics).